The following is an entry in ClinVar:

NM_002432.3(MNDA):c.367A>G (p.Thr123Ala)

Gene: MNDA (myeloid cell nuclear differentiation antigen; plus strand). Cytogenetic location: 1q23.1.
Variant type: single nucleotide variant.
Coding change: c.367A>G on transcript NM_002432.3 (MANE Select); coding-DNA position 367, A replaced by G.
Protein change: p.Thr123Ala; replaces threonine 123 with alanine.
Molecular consequence: missense variant.
Genome position (GRCh38, 1-based): chr1:158,843,380, A>G. VCF-style: chr1-158843380-A-G. GRCh37 (hg19) VCF-style: chr1-158813170-A-G.
Other names: short protein forms T123A.
Identifiers: ClinVar variation 2497017 (VCV002497017.2), dbSNP rs762855476, ClinGen allele CA1185565.

ClinVar aggregate classification (germline): Uncertain significance (1 of 4 stars; one submission).

Allele frequency attached by ClinVar (database versions not stated): TOPMed below 0.00001; gnomAD exomes 0.00002; gnomAD 0.00003; ExAC 0.00005.
gnomAD v4.1: 36 of 1,611,924 alleles (0.0022%); highest among the groups gnomAD compares: South Asian, 0.039%; no homozygotes.

Submission:

Ambry Genetics
Classification: Uncertain significance. Last evaluated: 2022-12-21. Review status: criteria provided, single submitter. Criteria: Ambry Variant Classification Scheme 2023. Collection method: clinical testing. Allele origin: germline.
Comment: The p.T123A variant (also known as c.367A>G), located in coding exon 2 of the MNDA gene, results from an A to G substitution at nucleotide position 367. The threonine at codon 123 is replaced by alanine, an amino acid with similar properties. This amino acid position is conserved. In addition, this alteration is predicted to be tolerated by in silico analysis. Since supporting evidence is limited at this time, the clinical significance of this alteration remains unclear.